The following is an entry in ClinVar:

ClinVar aggregate classification (germline): Benign/Likely benign. Review status: criteria provided, multiple submitters, no conflicts (2 of 4 stars). 8 submissions from 8 submitters: Benign (2); Likely benign (3). 3 of the submissions do not count toward it. Last evaluated 2026-05-25.

Conditions:
Hypertrophic cardiomyopathy 8. Also called: CARDIOMYOPATHY, HYPERTROPHIC, MID-LEFT VENTRICULAR CHAMBER TYPE, 1; MYL3-Related Familial Hypertrophic Cardiomyopathy. Identifiers: MedGen C1837471, MONDO:0012111, OMIM 608751.
Hypertrophic cardiomyopathy. Also called: HYPERTROPHIC MYOCARDIOPATHY. Identifiers: Orphanet 217569, MedGen C0007194, MeSH D002312, MONDO:0005045, HP:0001639.

Allele frequency attached by ClinVar (database versions not stated): gnomAD exomes 0.00018; TOPMed 0.00021; ExAC 0.00026; gnomAD 0.00027 and 0.00030; ESP Exome Variant Server 0.00062.
gnomAD v4.1: 394 of 1,610,866 alleles (0.024%); highest among the groups gnomAD compares: Middle Eastern, 0.033%; no homozygotes.

Submissions (8):

Women's Health and Genetics/Laboratory Corporation of America, LabCorp
Classification: Benign. Last evaluated: 2026-05-25. Review status: criteria provided, single submitter. Criteria: LabCorp Variant Classification Summary - May 2015. Collection method: clinical testing. Allele origin: germline.

Labcorp Genetics (formerly Invitae), Labcorp
Classification: Likely benign for Hypertrophic cardiomyopathy. Last evaluated: 2026-01-12. Review status: criteria provided, single submitter. Criteria: Invitae Variant Classification Sherloc (09022015). Collection method: clinical testing. Allele origin: germline.

ARUP Laboratories, Molecular Genetics and Genomics, ARUP Laboratories
Classification: Likely benign for Hypertrophic cardiomyopathy 8. Last evaluated: 2024-10-07. Review status: criteria provided, single submitter. Criteria: ARUP Molecular Germline Variant Investigation Process 2024. Collection method: clinical testing. Allele origin: germline.

Blueprint Genetics
Classification: Likely benign. Last evaluated: 2024-09-17. Review status: criteria provided, single submitter. Criteria: ACMG Guidelines, 2015. Collection method: clinical testing. Allele origin: germline.

GeneDx
Classification: Benign. Last evaluated: 2013-11-15. Review status: criteria provided, single submitter. Criteria: GeneDx Variant Classification (06012015). Collection method: clinical testing. Allele origin: germline. Affected: yes.
Comment: This variant is considered likely benign or benign based on one or more of the following criteria: it is a conservative change, it occurs at a poorly conserved position in the protein, it is predicted to be benign by multiple in silico algorithms, and/or has population frequency not consistent with disease.

Clinical Genetics, Academic Medical Center
Classification: Benign. Review status: no assertion criteria provided. Collection method: clinical testing. Allele origin: germline. Affected: yes. Study: VKGL Data-share Consensus. Not counted in ClinVar's aggregate classification.

Genome Diagnostics Laboratory, University Medical Center Utrecht
Classification: Likely benign. Review status: no assertion criteria provided. Collection method: clinical testing. Allele origin: germline. Affected: yes. Study: VKGL Data-share Consensus. Not counted in ClinVar's aggregate classification.

Joint Genome Diagnostic Labs from Nijmegen and Maastricht, Radboudumc and MUMC+
Classification: Likely benign. Review status: no assertion criteria provided. Collection method: clinical testing. Allele origin: germline. Affected: yes. Study: VKGL Data-share Consensus. Not counted in ClinVar's aggregate classification.

NM_000258.3(MYL3):c.482-17C>T

Gene: MYL3 (myosin light chain 3; minus strand). Cytogenetic location: 3p21.31.
Variant type: single nucleotide variant.
Coding change: c.482-17C>T on transcript NM_000258.3 (MANE Select); 17 bases into the intron before coding-DNA position 482, C replaced by T.
Molecular consequence: intron variant.
Genome position (GRCh38, 1-based): chr3:46,858,478, G>A on the plus strand (C>T on the coding strand, the complement: MYL3 is on the minus strand). VCF-style: chr3-46858478-G-A. GRCh37 (hg19) VCF-style: chr3-46899968-G-A.
Identifiers: ClinVar variation 138400 (VCV000138400.16), dbSNP rs201289145, ClinGen allele CA013924.
Genomic context (GRCh38, chr3:46,858,478, plus strand): 5'-CCCAGCCATCAACTTCTCCACTTCGTCTTCTGTCAGCCTCTCACCTGGCAGGAGTGGGAG[G>A]CTGAGTCAGCACCGTGCGTGCAGAGGCATGATGGGGTGGGGGCACCCACTGAATCCCTCT-3'